The following is an entry in ClinVar:

ClinVar aggregate classification (germline): Uncertain significance (1 of 4 stars; one submission).

Allele frequency attached by ClinVar (database versions not stated): ExAC 0.00007; gnomAD 0.00008; gnomAD exomes 0.00008; TOPMed 0.00011; ESP Exome Variant Server 0.00031.

Submission:

Ambry Genetics
Classification: Uncertain significance. Last evaluated: 2024-10-11. Review status: criteria provided, single submitter. Criteria: Ambry Variant Classification Scheme 2023. Collection method: clinical testing. Allele origin: germline.
Comment: The p.T1159A variant (also known as c.3475A>G), located in coding exon 4 of the ALPK2 gene, results from an A to G substitution at nucleotide position 3475. The threonine at codon 1159 is replaced by alanine, an amino acid with similar properties. This amino acid position is conserved. In addition, this alteration is predicted to be tolerated by in silico analysis. Since supporting evidence is limited at this time, the clinical significance of this alteration remains unclear.

NM_052947.4(ALPK2):c.3475A>G (p.Thr1159Ala)

Gene: ALPK2 (alpha kinase 2; minus strand). Cytogenetic location: 18q21.31.
Variant type: single nucleotide variant.
Coding change: c.3475A>G on transcript NM_052947.4 (MANE Select); coding-DNA position 3475, A replaced by G.
Protein change: p.Thr1159Ala; replaces threonine 1159 with alanine.
Molecular consequence: missense variant.
Genome position (GRCh38, 1-based): chr18:58,536,712, T>C on the plus strand (A>G on the coding strand, the complement: ALPK2 is on the minus strand). VCF-style: chr18-58536712-T-C. GRCh37 (hg19) VCF-style: chr18-56203944-T-C.
Other names: short protein forms T1159A.
Identifiers: ClinVar variation 1731769 (VCV001731769.3), dbSNP rs146719837, ClinGen allele CA8976897.